The following is an entry in ClinVar:

NM_016034.5(MRPS2):c.848G>A (p.Gly283Glu)

Genes: MRPS2 (mitochondrial ribosomal protein S2; plus strand), LOC101928525 (uncharacterized LOC101928525; minus strand). Cytogenetic location: 9q34.3.
Variant type: single nucleotide variant.
Coding change: c.848G>A on transcript NM_016034.5 (MANE Select); coding-DNA position 848, G replaced by A.
Protein change: p.Gly283Glu; replaces glycine 283 with glutamic acid.
Molecular consequence: missense variant. On other transcripts: non-coding transcript variant (4).
Genome position (GRCh38, 1-based): chr9:135,504,090, G>A. VCF-style: chr9-135504090-G-A. GRCh37 (hg19) VCF-style: chr9-138395936-G-A.
Other names: c.848G>A (NM_016034.4); c.848G>A, p.Gly283Glu (NM_001371401.1); short protein forms G283E.
Identifiers: ClinVar variation 1184428 (VCV001184428.11), dbSNP rs138712673, ClinGen allele CA5324046.
Genomic context (GRCh38, chr9:135,504,090, plus strand): 5'-AGCGGCAGCAGGTTGAGGCTCTCTATCGCCTGCAGGGCCAGAAGGAGCCCGGGGACCAGG[G>A]GCCAGCCCACCCTCCTGGGGCTGACATGAGCCATTCCCTGTGATGTTCACTCTCCTCCCA-3'
Protein context (NP_057118.1, residues 273-293): LQGQKEPGDQ[Gly283Glu]PAHPPGADMS

ClinVar aggregate classification (germline): Conflicting classifications of pathogenicity. Review status: criteria provided, conflicting classifications (1 of 4 stars). 3 submissions from 3 submitters: Uncertain significance (1); Benign (1). 1 of the submissions does not count toward it. Last evaluated 2025-11-05.

Conditions:
Combined oxidative phosphorylation deficiency 36 (COXPD36). Identifiers: MedGen C4693722, MONDO:0054781, OMIM 617950.
MRPS2-related disorder. Also called: MRPS2-related condition.

Allele frequency attached by ClinVar (database versions not stated): gnomAD 0.00277 and 0.00308; TOPMed 0.00342; gnomAD exomes 0.00030 and 0.00070; ExAC 0.00084; 1000 Genomes Project 0.00200; 1000 Genomes Project 30x 0.00203; ESP Exome Variant Server 0.00277.

Submissions (3):

Labcorp Genetics (formerly Invitae), Labcorp
Classification: Benign. Last evaluated: 2025-11-05. Review status: criteria provided, single submitter. Criteria: Invitae Variant Classification Sherloc (09022015). Collection method: clinical testing. Allele origin: germline.

New York Genome Center
Classification: Uncertain significance for Combined oxidative phosphorylation deficiency 36. Last evaluated: 2020-06-30. Review status: criteria provided, single submitter. Criteria: NYGC Assertion Criteria 2020. Collection method: clinical testing. Allele origin: inherited. Observed: 1 compound heterozygote. Study: CSER-NYCKidSeq.

PreventionGenetics, part of Exact Sciences
Classification: Benign for MRPS2-related condition. Last evaluated: 2019-09-23. Review status: no assertion criteria provided. Collection method: clinical testing. Allele origin: germline. Not counted in ClinVar's aggregate classification.
Comment: This variant is classified as benign based on ACMG/AMP sequence variant interpretation guidelines (Richards et al. 2015 PMID: 25741868, with internal and published modifications).